The following is an entry in ClinVar:

NM_005862.3(STAG1):c.333A>C (p.Gln111His)

Gene: STAG1 (STAG1 cohesin complex component; minus strand). Cytogenetic location: 3q22.3.
Variant type: single nucleotide variant.
Coding change: c.333A>C on transcript NM_005862.3 (MANE Select); coding-DNA position 333, A replaced by C.
Protein change: p.Gln111His; replaces glutamine 111 with histidine.
Molecular consequence: missense variant.
Genome position (GRCh38, 1-based): chr3:136,568,826, T>G on the plus strand (A>C on the coding strand, the complement: STAG1 is on the minus strand). VCF-style: chr3-136568826-T-G. GRCh37 (hg19) VCF-style: chr3-136287668-T-G.
Other names: short protein forms Q111H.
Identifiers: ClinVar variation 4847061 (VCV004847061.1).
Genomic context (GRCh38, chr3:136,568,826, plus strand): 5'-TCGACATCCTGAACACTGGATAAAAAAGTTGATTAAATCCAGAAGTGCGATGTCCCTGTC[T>G]TGTTTATATGATTCAATCCAGTCATCCACCACGGACTGTGGAAAAAAAATATAAAAATGA-3'
Protein context (NP_005853.2, residues 101-121): VVDDWIESYK[Gln111His]DRDIALLDLI

ClinVar aggregate classification (germline): Uncertain significance (1 of 4 stars; one submission).

gnomAD v4.1: 1 of 1,612,500 alleles (0.000062%); highest among the groups gnomAD compares: South Asian, 0.0011%; no homozygotes.

Submission:

Women's Health and Genetics/Laboratory Corporation of America, LabCorp
Classification: Uncertain significance. Last evaluated: 2026-03-20. Review status: criteria provided, single submitter. Criteria: LabCorp Variant Classification Summary - May 2015. Collection method: clinical testing. Allele origin: germline.
Comment: Variant summary: STAG1 c.333A>C (p.Gln111His) results in a non-conservative amino acid change in the encoded protein sequence. Algorithms developed to predict the effect of missense changes on protein structure and function are either unavailable or do not agree on the potential impact of this missense change. The variant was absent in 251282 control chromosomes. The available data on variant occurrences in the general population are insufficient to allow any conclusion about variant significance. To our knowledge, no occurrence of c.333A>C in individuals affected with STAG1-related conditions and no experimental evidence demonstrating its impact on protein function have been reported. No submitters have cited clinical-significance assessments for this variant to ClinVar. Based on the evidence outlined above, the variant was classified as uncertain significance.